The following is an entry in ClinVar:

NM_020812.4(DOCK6):c.3745_3752del (p.Ser1249fs)

Genes: DOCK6 (dedicator of cytokinesis 6; minus strand), DOCK6-AS1 (DOCK6 antisense RNA 1; plus strand). Cytogenetic location: 19p13.2.
Variant type: Deletion.
Coding change: c.3745_3752del on transcript NM_020812.4 (MANE Select); coding-DNA positions 3745 to 3752, 8 bases deleted (TCAAGCCG; older notation c.3745_3752delTCAAGCCG).
Protein change: p.Ser1249fs; shifts the reading frame from serine 1249.
Molecular consequence: frameshift variant.
Genome position (GRCh38, 1-based): chr19:11,217,056-11,217,063, CGGCTTGA deleted on the plus strand (TCAAGCCG on the coding strand, the reverse complement: DOCK6 is on the minus strand); deleting any 8 consecutive bases within chr19:11,217,056-11,217,064 gives the same sequence; the c. name uses the placement nearest the transcript's 3' end. VCF-style (leftmost placement, unchanged base first): chr19-11217055-CCGGCTTGA-C. GRCh37 (hg19) VCF-style: chr19-11327731-CCGGCTTGA-C.
Other names: c.3745_3752delTCAAGCCG (NM_020812.4); c.3850_3857del, p.Ser1284fs (NM_001367830.1); short protein forms S1249fs, S1284fs.
Identifiers: ClinVar variation 1453588 (VCV001453588.11), dbSNP rs772381647, ClinGen allele CA9207134.
Genomic context (GRCh38, chr19:11,217,055, plus strand): 5'-GCGCTGCAGGAGCGCCGGCTCGGTGTTTTTCAGCACCCACAGCACACACGCCAGCAAGGT[CCGGCTTGA>C]CTCAGCAGAGAGGGCACAGCCTGCGCGAGAAGCCTGGGGCCAGAGAGGAATCAAAGTCAA-3'

ClinVar aggregate classification (germline): Pathogenic/Likely pathogenic. Review status: criteria provided, multiple submitters, no conflicts (2 of 4 stars). 4 submissions from 4 submitters: Pathogenic (3); Likely pathogenic (1). Last evaluated 2026-10-19.

Conditions:
Adams-Oliver syndrome 2 (AOS2). Identifiers: Orphanet 974, MedGen C3280182, MONDO:0013635, OMIM 614219.
DOCK6-related disorders.

Submissions (4):

GeneDx
Classification: Pathogenic. Last evaluated: 2026-10-19. Review status: criteria provided, single submitter. Criteria: GeneDx Variant Classification Process June 2021. Collection method: clinical testing. Allele origin: germline.
Comment: Frameshift variant predicted to result in protein truncation or nonsense mediated decay in a gene for which loss of function is a known mechanism of disease; Has not been previously published as pathogenic or benign to our knowledge

Women's Health and Genetics/Laboratory Corporation of America, LabCorp
Classification: Pathogenic for Adams-Oliver syndrome 2. Last evaluated: 2026-05-04. Review status: criteria provided, single submitter. Criteria: LabCorp Variant Classification Summary - May 2015. Collection method: clinical testing. Allele origin: germline.
Comment: Variant summary: DOCK6 c.3745_3752delTCAAGCCG (p.Ser1249AspfsX24) results in a premature termination codon, predicted to cause a truncation of the encoded protein or absence of the protein due to nonsense mediated decay, which are commonly known mechanisms for disease. The variant allele was found at a frequency of 1.6e-05 in 248206 control chromosomes. To our knowledge, no occurrence of c.3745_3752delTCAAGCCG in individuals affected with DOCK6-related conditions and no experimental evidence demonstrating its impact on protein function have been reported. ClinVar contains an entry for this variant (Variation ID: 1453588). Based on the evidence outlined above, the variant was classified as pathogenic.

Blueprint Genetics
Classification: Likely pathogenic for DOCK6-related disorders. Last evaluated: 2024-10-21. Review status: criteria provided, single submitter. Criteria: ACMG Guidelines, 2015. Collection method: clinical testing. Allele origin: germline. Affected: yes. Observed: 4 variant alleles.

Labcorp Genetics (formerly Invitae), Labcorp
Classification: Pathogenic. Last evaluated: 2024-04-25. Review status: criteria provided, single submitter. Criteria: Invitae Variant Classification Sherloc (09022015). Collection method: clinical testing. Allele origin: germline.
Comment: This sequence change creates a premature translational stop signal (p.Ser1249Aspfs*24) in the DOCK6 gene. It is expected to result in an absent or disrupted protein product. Loss-of-function variants in DOCK6 are known to be pathogenic (PMID: 21820096, 25824905). This variant is present in population databases (rs772381647, gnomAD 0.007%). This variant has not been reported in the literature in individuals affected with DOCK6-related conditions. ClinVar contains an entry for this variant (Variation ID: 1453588). For these reasons, this variant has been classified as Pathogenic.

Literature cited by the submitters: PubMed 21820096 (cited by Labcorp Genetics (formerly Invitae), Labcorp); PubMed 25824905 (cited by Labcorp Genetics (formerly Invitae), Labcorp).